The following is an entry in ClinVar:

NM_000321.3(RB1):c.1333-1G>C

Gene: RB1 (RB transcriptional corepressor 1; plus strand). Cytogenetic location: 13q14.2.
Variant type: single nucleotide variant.
Coding change: c.1333-1G>C on transcript NM_000321.3 (MANE Select); the canonical splice acceptor site of the intron before coding-DNA position 1333, G replaced by C.
Molecular consequence: splice acceptor variant.
Genome position (GRCh38, 1-based): chr13:48,379,593, G>C. VCF-style: chr13-48379593-G-C. GRCh37 (hg19) VCF-style: chr13-48953729-G-C.
Other names: c.1333-1G>C (NM_001407165.1, NM_001407166.1).
Identifiers: ClinVar variation 1364579 (VCV001364579.6), dbSNP rs2138140730, ClinGen allele CA388162529.
Genomic context (GRCh38, chr13:48,379,593, plus strand): 5'-ATTTCATAATTGTGATTTTCTAAAATAGCAGGCTCTTATTTTTCTTTTTGTTTGTTTGTA[G>C]CGATACAAACTTGGAGTTCGCTTGTATTACCGAGTAATGGAATCCATGCTTAAATCAGTA-3'

ClinVar aggregate classification (germline): Pathogenic (1 of 4 stars; one submission).

Conditions:
Retinoblastoma (RB1). Also called: RETINOBLASTOMA, SOMATIC. Identifiers: Orphanet 790, MedGen C0035335, MeSH D012175, MONDO:0008380, OMIM 180200, HP:0009919. Disease mechanism: loss of function. Inheritance: Both sporadic and heritable forms are tested..

Submission:

Labcorp Genetics (formerly Invitae), Labcorp
Classification: Pathogenic for Retinoblastoma. Last evaluated: 2021-09-22. Review status: criteria provided, single submitter. Criteria: Invitae Variant Classification Sherloc (09022015). Collection method: clinical testing. Allele origin: germline.
Comment: For these reasons, this variant has been classified as Pathogenic. Algorithms developed to predict the effect of sequence changes on RNA splicing suggest that this variant may disrupt the consensus splice site. Disruption of this splice site has been observed in individual(s) with retinoblastoma (PMID: 15166261; Invitae). In at least one individual the variant was observed to be de novo. This variant is not present in population databases (ExAC no frequency). This sequence change affects an acceptor splice site in intron 13 of the RB1 gene. It is expected to disrupt RNA splicing. Variants that disrupt the donor or acceptor splice site typically lead to a loss of protein function (PMID: 16199547), and loss-of-function variants in RB1 are known to be pathogenic (PMID: 17096365).

Literature cited by the submitters: PubMed 15166261; PubMed 16199547; PubMed 17096365.